The following is an entry in ClinVar:

NM_152703.5(SAMD9L):c.2370G>C (p.Lys790Asn)

Gene: SAMD9L (sterile alpha motif domain containing 9 like; minus strand). Cytogenetic location: 7q21.2.
Variant type: single nucleotide variant.
Coding change: c.2370G>C on transcript NM_152703.5 (MANE Select); coding-DNA position 2370, G replaced by C.
Protein change: p.Lys790Asn; replaces lysine 790 with asparagine.
Molecular consequence: missense variant.
Genome position (GRCh38, 1-based): chr7:93,133,602, C>G on the plus strand (G>C on the coding strand, the complement: SAMD9L is on the minus strand). VCF-style: chr7-93133602-C-G. GRCh37 (hg19) VCF-style: chr7-92762915-C-G.
Other names: c.2370G>C, p.Lys790Asn (NM_001303496.3, NM_001303497.3, NM_001303498.3 and 5 more transcripts); short protein forms K790N.
Identifiers: ClinVar variation 2136266 (VCV002136266.1), dbSNP rs753116710, ClinGen allele CA4343600.

ClinVar aggregate classification (germline): Uncertain significance (1 of 4 stars; one submission).

Allele frequency attached by ClinVar (database versions not stated): gnomAD exomes below 0.00001; ExAC 0.00001.
gnomAD v4.1: 1 of 1,613,816 alleles (0.000062%); highest among the groups gnomAD compares: Non-Finnish European, 0.000085%; no homozygotes.

Submission:

GeneDx
Classification: Uncertain significance. Last evaluated: 2022-07-20. Review status: criteria provided, single submitter. Criteria: GeneDx Variant Classification Process June 2021. Collection method: clinical testing. Allele origin: germline. Affected: yes.
Comment: Not observed at significant frequency in large population cohorts (gnomAD); In silico analysis supports that this missense variant does not alter protein structure/function; Has not been previously published as pathogenic or benign to our knowledge; This variant is associated with the following publications: (PMID: 28545555)